The following is an entry in ClinVar:

ClinVar aggregate classification (germline): Pathogenic/Likely pathogenic. Review status: criteria provided, multiple submitters, no conflicts (2 of 4 stars). 11 submissions from 11 submitters: Pathogenic (8); Likely pathogenic (3). Last evaluated 2025-12-02.

Conditions:
TNNI3-related disorder. Also called: TNNI3-related condition; TNNI3-related disorders.
Cardiovascular phenotype. Identifiers: MedGen CN230736.
Hypertrophic cardiomyopathy 7. Also called: CARDIOMYOPATHY, FAMILIAL HYPERTROPHIC, 7, MODIFIER OF; TNNI3-Related Familial Hypertrophic Cardiomyopathy; Familial hypertrophic cardiomyopathy 7. Identifiers: MedGen C1860752, MONDO:0013369, OMIM 613690.
Hypertrophic cardiomyopathy. Also called: HYPERTROPHIC MYOCARDIOPATHY. Identifiers: Orphanet 217569, MedGen C0007194, MeSH D002312, MONDO:0005045, HP:0001639.
Cardiomyopathy (CMYO). Also called: Cardiomyopathies. Identifiers: Orphanet 167848, MedGen C0878544, MONDO:0004994, HP:0001638. Inheritance: Various modes of inheritance.

gnomAD v4.1: 1 of 1,614,000 alleles (0.000062%); highest among the groups gnomAD compares: Admixed American, 0.0017%; no homozygotes.

Submissions (11):

Labcorp Genetics (formerly Invitae), Labcorp
Classification: Pathogenic for Hypertrophic cardiomyopathy. Last evaluated: 2025-12-02. Review status: criteria provided, single submitter. Criteria: Invitae Variant Classification Sherloc (09022015). Collection method: clinical testing. Allele origin: germline.
Comment: This sequence change replaces arginine, which is basic and polar, with histidine, which is basic and polar, at codon 204 of the TNNI3 protein (p.Arg204His). This variant is not present in population databases (gnomAD no frequency). This missense change has been observed in individual(s) with hypertrophic cardiomyopathy and/or restrictive cardiomyopathy (PMID: 15698845, 18801787, 20569525, 27532257, 29176140). In at least one individual the variant was observed to be de novo. ClinVar contains an entry for this variant (Variation ID: 177679). An algorithm developed to predict the effect of missense changes on protein structure and function (PolyPhen-2) suggests that this variant is likely to be disruptive. Experimental studies have shown that this missense change affects TNNI3 function (PMID: 27895589). For these reasons, this variant has been classified as Pathogenic.

Victorian Clinical Genetics Services, Murdoch Childrens Research Institute
Classification: Pathogenic for Cardiomyopathy. Last evaluated: 2024-10-10. Review status: criteria provided, single submitter. Criteria: ACMG Guidelines, 2015. Collection method: clinical testing. Allele origin: germline. Affected: yes.
Comment: Based on the classification scheme VCGS_Germline_v1.3.4, this variant is classified as Pathogenic. Following criteria are met: 0103 - Both loss- and gain-of-function are known mechanisms of disease for this gene. Missense variants functionally proven to cause a loss of function effect by decreasing calcium sensitivity cause dilated cardiomyopathy (DCM). Missense variants functionally proven to cause a gain of function effect by increasing calcium sensitivity cause hypertrophic cardiomyopathy (HCM) (PMID: 21533915). (I) 0108 - This gene is known to be associated with both recessive and dominant disease. Only a single family has been reported with a recessive form of inheritance (OMIM). (I) 0112 - Variants in this gene are known to have reduced penetrance (PMID: 15607392). (I) 0200 - Variant is predicted to result in a missense amino acid change from arginine to histidine (exon 8). (I) 0251 - Variant is heterozygous. (I) 0301 - Variant is absent from gnomAD. (SP) 0309 - An alternative amino acid change at the same position has been observed in gnomAD (1 heterozygote, 0 homozygotes). (I) 0501 - Missense variant consistently predicted to be damaging by multiple in silico tools or highly conserved with a major amino acid change. (SP) 0604 - Variant is not located in an established domain, motif, hotspot or informative constraint region. (I) 0704 - Comparable variant has low previous evidence for pathogenicity. An alternative missense change at the same residue (p.Arg204Cys) has been reported as pathogenic, and observed in patients with restrictive cardiomyopathy (RCM) and HCM (ClinVar, PMID: 27895589). (SP) 0801 - Strong previous evidence of pathogenicity in unrelated individuals. This variant has been reported as pathogenic, and reported in multiple patients with HCM, RCM and infantile ventricular septal defects (ClinVar, PMID: 27895589, PMID: 31912959, PMID: 20569525). Some of these reports were de novo. (SP) 1002 - Moderate functional evidence supporting abnormal protein function. Analysis of porcine muscle fibres showed this variant results in increased calcium sensitivity and reduced interactions with Troponins C and T (PMID: 27895589). (SP) 1208 - Inheritance information for this variant is not currently available. (I) Legend: (SP) - Supporting pathogenic, (I) - Information, (SB) - Supporting benign

GeneDx
Classification: Pathogenic. Last evaluated: 2024-01-23. Review status: criteria provided, single submitter. Criteria: GeneDx Variant Classification Process June 2021. Collection method: clinical testing. Allele origin: germline. Affected: yes.
Comment: Not observed at significant frequency in large population cohorts (gnomAD); Functional studies demonstrated that p.(R204H) results in decreased interaction between cardiac troponin I and cardiac troponin C and T (PMID: 15698845, 27895589); In silico analysis supports that this missense variant has a deleterious effect on protein structure/function; This variant is associated with the following publications: (PMID: 18801787, 27895589, 20617149, 27930701, 27532257, 24322056, 31912959, 16199542, 15698845, 29176140, 20569525, 33906374, 31737537)

PreventionGenetics, part of Exact Sciences
Classification: Likely pathogenic for TNNI3-related condition. Last evaluated: 2023-07-26. Review status: criteria provided, single submitter. Criteria: ACMG Guidelines, 2015. Collection method: clinical testing. Allele origin: germline.
Comment: The TNNI3 c.611G>A variant is predicted to result in the amino acid substitution p.Arg204His. This variant was reported in the heterozygous state in patients with arrhythmogenic disorders (Additional data, Marschall et al. 2019. PubMed ID: 31737537; Supplemental Tables, Walsh et al. 2017. PubMed ID: 27532257; Parrott et al. 2020. PubMed ID: 31912959; Ware et al. 2021. PubMed ID: 33906374). Functional studies showed that this variant impacts the protein function of Troponin I (Doolan et al. 2005. PubMed ID: 15698845). Of note, another missense variant affecting the same amino acid (p.Arg204Cys) has also been reported to be causative for hypertrophic cardiomyopathy (Ware et al. 2021. PubMed ID: 33906374). This variant has not been reported in a large population database, indicating this variant is rare. This variant is interpreted as likely pathogenic.

Ambry Genetics
Classification: Pathogenic for Cardiovascular phenotype. Last evaluated: 2022-01-13. Review status: criteria provided, single submitter. Criteria: Ambry Variant Classification Scheme 2023. Collection method: clinical testing. Allele origin: germline.
Comment: The p.R204H pathogenic mutation (also known as c.611G>A), located in coding exon 8 of the TNNI3 gene, results from a G to A substitution at nucleotide position 611. The arginine at codon 204 is replaced by histidine, an amino acid with highly similar properties. This variant has been detected in several unrelated cases with hypertrophic cardiomyopathy and restrictive cardiomyopathy, including reported de novo occurrences and pediatric-onset disease, and has shown some segregation with disease in families (Doolan A et al. J Mol Cell Cardiol, 2005 Feb;38:387-93; Ingles J et al. J Med Genet, 2005 Oct;42:e59; Gambarin FI et al. Heart, 2008 Oct;94:1257; Parvatiyar MS et al. J Biomed Biotechnol, 2010 Jun;2010:350706; Yang SW et al. Cardiol Young, 2010 Oct;20:574-6; Ding WH et al. Chin Med J (Engl), 2017 Dec;130:2823-2828; Robyns T et al. Eur J Hum Genet, 2017 12;25:1313-1323; Ross SB et al. Circ Cardiovasc Genet, 2017 Jun;10; Walsh R et al. Genet Med, 2017 02;19:192-203; Maurizi N et al. JAMA Cardiol, 2018 06;3:520-525; Marschall C et al. Cardiovasc Diagn Ther, 2019 Oct;9:S292-S298; Parrott A et al. Am J Med Genet C Semin Med Genet, 2020 03;184:116-123). This variant has been reported to impact protein-protein interactions and calcium sensitivity in in vitro assays (Doolan A et al. J Mol Cell Cardiol, 2005 Feb;38:387-93; Nguyen S et al. Front Physiol, 2016 Nov;7:520). This variant is considered to be rare based on population cohorts in the Genome Aggregation Database (gnomAD). Based on the supporting evidence, this alteration is interpreted as a disease-causing mutation.

Blueprint Genetics
Classification: Pathogenic for TNNI3-related disorders. Last evaluated: 2021-08-10. Review status: criteria provided, single submitter. Criteria: ACMG Guidelines, 2015. Collection method: clinical testing. Allele origin: germline. Affected: yes. Observed: 1 variant allele.

Molecular Diagnostic Laboratory for Inherited Cardiovascular Disease, Montreal Heart Institute
Classification: Pathogenic for Cardiovascular phenotype. Last evaluated: 2021-07-22. Review status: criteria provided, single submitter. Criteria: ACMG Guidelines, 2015. Collection method: clinical testing. Allele origin: germline. Affected: yes.

Agnes Ginges Centre for Molecular Cardiology, Centenary Institute
Classification: Pathogenic for Hypertrophic cardiomyopathy 7. Last evaluated: 2019-08-26. Review status: criteria provided, single submitter. Criteria: ACMG Guidelines, 2015. Collection method: research. Allele origin: germline. Inheritance: Autosomal dominant inheritance. Affected: yes.
Comment: For further information please feel free to contact us.

Center for Human Genetics, University of Leuven
Classification: Likely pathogenic for Hypertrophic cardiomyopathy. Last evaluated: 2017-02-09. Review status: criteria provided, single submitter. Criteria: ACMG Guidelines, 2015. Collection method: clinical testing. Allele origin: de novo. Inheritance: Autosomal dominant inheritance. Affected: yes. Observed: 2 variant alleles.
Comment: ACMG score likely pathogenic

Mayo Clinic Laboratories, Mayo Clinic
Classification: Pathogenic. Last evaluated: 2016-11-23. Review status: criteria provided, single submitter. Criteria: ACMG Guidelines, 2015. Collection method: clinical testing. Allele origin: germline.
Comment: PP3, PM2, PS2, PS3, PS4

Laboratory for Molecular Medicine, Mass General Brigham Personalized Medicine
Classification: Likely pathogenic for Hypertrophic cardiomyopathy. Last evaluated: 2015-05-15. Review status: criteria provided, single submitter. Criteria: LMM Criteria. Collection method: clinical testing. Allele origin: germline. Observed: 3 variant alleles.
Comment: proposed classification - variant undergoing re-assessment, contact laboratory

Literature cited by the submitters: PubMed 15698845 (cited by 5 submitters); PubMed 18801787 (cited by 5 submitters); PubMed 20569525 (cited by 6 submitters); PubMed 27532257 (cited by 3 submitters); PubMed 29176140 (cited by 4 submitters); PubMed 27895589 (cited by 5 submitters); PubMed 15607392 (cited by Victorian Clinical Genetics Services, Murdoch Childrens Research Institute); PubMed 21533915 (cited by Victorian Clinical Genetics Services, Murdoch Childrens Research Institute); PubMed 31912959 (cited by 3 submitters); PubMed 16199542 (cited by 4 submitters); PubMed 20617149 (cited by 3 submitters); PubMed 28255936 (cited by Ambry Genetics); PubMed 28615295 (cited by Ambry Genetics); PubMed 29255176 (cited by Ambry Genetics); PubMed 29710196 (cited by Ambry Genetics and Agnes Ginges Centre for Molecular Cardiology, Centenary Institute); PubMed 31737537 (cited by Ambry Genetics); PubMed 28408708 (cited by Agnes Ginges Centre for Molecular Cardiology, Centenary Institute).

NM_000363.5(TNNI3):c.611G>A (p.Arg204His)

Gene: TNNI3 (troponin I3, cardiac type; minus strand). Cytogenetic location: 19q13.42.
Variant type: single nucleotide variant.
Coding change: c.611G>A on transcript NM_000363.5 (MANE Select); coding-DNA position 611, G replaced by A.
Protein change: p.Arg204His; replaces arginine 204 with histidine.
Molecular consequence: missense variant.
Genome position (GRCh38, 1-based): chr19:55,151,856, C>T on the plus strand (G>A on the coding strand, the complement: TNNI3 is on the minus strand). VCF-style: chr19-55151856-C-T. GRCh37 (hg19) VCF-style: chr19-55663224-C-T.
Other names: p.R204H:CGC>CAC; short protein forms R204H.
Identifiers: ClinVar variation 177679 (VCV000177679.31), dbSNP rs727504275, ClinGen allele CA022060.